The following is an entry in ClinVar:

ClinVar aggregate classification (germline): Uncertain significance (1 of 4 stars; one submission).

Conditions:
Cardiovascular phenotype. Identifiers: MedGen CN230736.

Submission:

Ambry Genetics
Classification: Uncertain significance for Cardiovascular phenotype. Last evaluated: 2025-04-16. Review status: criteria provided, single submitter. Criteria: Ambry Variant Classification Scheme 2023. Collection method: clinical testing. Allele origin: germline.
Comment: The p.D4664H variant (also known as c.13990G>C), located in coding exon 97 of the RYR2 gene, results from a G to C substitution at nucleotide position 13990. The aspartic acid at codon 4664 is replaced by histidine, an amino acid with similar properties. This amino acid position is well conserved in available vertebrate species. In addition, the in silico prediction for this alteration is inconclusive. Based on the available evidence, the clinical significance of this variant remains unclear.

NM_001035.3(RYR2):c.13990G>C (p.Asp4664His)

Gene: RYR2 (ryanodine receptor 2; plus strand). Cytogenetic location: 1q43.
Variant type: single nucleotide variant.
Coding change: c.13990G>C on transcript NM_001035.3 (MANE Select); coding-DNA position 13990, G replaced by C.
Protein change: p.Asp4664His; replaces aspartic acid 4664 with histidine.
Molecular consequence: missense variant.
Genome position (GRCh38, 1-based): chr1:237,798,070, G>C. VCF-style: chr1-237798070-G-C. GRCh37 (hg19) VCF-style: chr1-237961370-G-C.
Other names: short protein forms D4664H.
Identifiers: ClinVar variation 3949056 (VCV003949056.1).